The following is an entry in ClinVar:

NM_000032.5(ALAS2):c.714G>T (p.Glu238Asp)

Gene: ALAS2 (5'-aminolevulinate synthase 2; minus strand). Cytogenetic location: Xp11.21.
Variant type: single nucleotide variant.
Coding change: c.714G>T on transcript NM_000032.5 (MANE Select); coding-DNA position 714, G replaced by T.
Protein change: p.Glu238Asp; replaces glutamic acid 238 with aspartic acid.
Molecular consequence: missense variant.
Genome position (GRCh38, 1-based): chrX:55,020,429, C>A on the plus strand (G>T on the coding strand, the complement: ALAS2 is on the minus strand). VCF-style: chrX-55020429-C-A. GRCh37 (hg19) VCF-style: chrX-55046862-C-A.
Other names: c.603G>T, p.Glu201Asp (NM_001037967.4); c.675G>T, p.Glu225Asp (NM_001037968.4); short protein forms E201D, E238D, E225D.
Identifiers: ClinVar variation 2802059 (VCV002802059.3), dbSNP rs2519586421, ClinGen allele CA413295175.

ClinVar aggregate classification (germline): Uncertain significance (1 of 4 stars; one submission).

Allele frequency attached by ClinVar (database versions not stated): gnomAD exomes below 0.00001.
gnomAD v4.1: 1 of 1,195,453 alleles (0.000084%); highest among the groups gnomAD compares: East Asian, 0.003%; no homozygotes.

Submission:

Labcorp Genetics (formerly Invitae), Labcorp
Classification: Uncertain significance. Last evaluated: 2024-09-01. Review status: criteria provided, single submitter. Criteria: Invitae Variant Classification Sherloc (09022015). Collection method: clinical testing. Allele origin: germline.
Comment: This sequence change replaces glutamic acid, which is acidic and polar, with aspartic acid, which is acidic and polar, at codon 238 of the ALAS2 protein (p.Glu238Asp). This variant is not present in population databases (gnomAD no frequency). This variant has not been reported in the literature in individuals affected with ALAS2-related conditions. Invitae Evidence Modeling of protein sequence and biophysical properties (such as structural, functional, and spatial information, amino acid conservation, physicochemical variation, residue mobility, and thermodynamic stability) indicates that this missense variant is not expected to disrupt ALAS2 protein function with a negative predictive value of 95%. In summary, the available evidence is currently insufficient to determine the role of this variant in disease. Therefore, it has been classified as a Variant of Uncertain Significance.